The following is an entry in ClinVar:

ClinVar aggregate classification (germline): Pathogenic (1 of 4 stars; one submission).

Submission:

Labcorp Genetics (formerly Invitae), Labcorp
Classification: Pathogenic. Last evaluated: 2024-02-28. Review status: criteria provided, single submitter. Criteria: Invitae Variant Classification Sherloc (09022015). Collection method: clinical testing. Allele origin: germline.
Comment: This sequence change replaces arginine, which is basic and polar, with lysine, which is basic and polar, at codon 1556 of the ABCA4 protein (p.Arg1556Lys). RNA analysis indicates that this missense change induces altered splicing and likely results in a shortened protein product. This variant is not present in population databases (gnomAD no frequency). This missense change has been observed in individuals with clinical features of inherited retinal dystrophy (PMID: 31397521; Invitae). ClinVar contains an entry for this variant (Variation ID: 939243). An algorithm developed to predict the effect of missense changes on protein structure and function (PolyPhen-2) suggests that this variant is likely to be disruptive. Variants that disrupt the consensus splice site are a relatively common cause of aberrant splicing (PMID: 17576681, 9536098). Studies have shown that this missense change results in skipping of exon 32, but is expected to preserve the integrity of the reading-frame (PMID: 31397521). This variant disrupts the c.4667G nucleotide in the ABCA4 gene. Other variant(s) that disrupt this nucleotide have been determined to be pathogenic (PMID: 23419329, 29162642; Invitae). This suggests that this nucleotide is clinically significant, and that variants that disrupt this position are likely to be disease-causing. For these reasons, this variant has been classified as Pathogenic.

Literature cited by the submitters: PubMed 31397521; PubMed 17576681; PubMed 9536098; PubMed 23419329; PubMed 29162642.

NM_000350.3(ABCA4):c.4667G>A (p.Arg1556Lys)

Gene: ABCA4 (ATP binding cassette subfamily A member 4; minus strand). Cytogenetic location: 1p22.1.
Variant type: single nucleotide variant.
Coding change: c.4667G>A on transcript NM_000350.3 (MANE Select); coding-DNA position 4667, G replaced by A.
Protein change: p.Arg1556Lys; replaces arginine 1556 with lysine.
Molecular consequence: missense variant.
Genome position (GRCh38, 1-based): chr1:94,023,386, C>T on the plus strand (G>A on the coding strand, the complement: ABCA4 is on the minus strand). VCF-style: chr1-94023386-C-T. GRCh37 (hg19) VCF-style: chr1-94488942-C-T.
Other names: c.4445G>A, p.Arg1482Lys (NM_001425324.1); short protein forms R1556K, R1482K.
Identifiers: ClinVar variation 939243 (VCV000939243.9), dbSNP rs1385119665, ClinGen allele CA341284164.
Genomic context (GRCh38, chr1:94,023,386, plus strand): 5'-GCAATTATTTCAACAATGAATCAATCTGAGATTTTAATTCTGATAAAAATAGTTTCTTAC[C>T]TCTGTTCATTGACCCAGAATTTGCTCTTTAAGCTGAAAGCCAAAATAAAATAATGCAATG-3'
Protein context (NP_000341.2, residues 1546-1566): LKSKFWVNEQ[Arg1556Lys]YGGISIGGKL